The following is an entry in ClinVar:

NM_001172509.2(SATB2):c.650C>T (p.Thr217Ile)

Gene: SATB2 (SATB homeobox 2; minus strand). Cytogenetic location: 2q33.1.
Variant type: single nucleotide variant.
Coding change: c.650C>T on transcript NM_001172509.2 (MANE Select); coding-DNA position 650, C replaced by T.
Protein change: p.Thr217Ile; replaces threonine 217 with isoleucine.
Molecular consequence: missense variant.
Genome position (GRCh38, 1-based): chr2:199,368,655, G>A on the plus strand (C>T on the coding strand, the complement: SATB2 is on the minus strand). VCF-style: chr2-199368655-G-A. GRCh37 (hg19) VCF-style: chr2-200233378-G-A.
Other names: c.650C>T, p.Thr217Ile (NM_001172517.1, NM_015265.4); short protein forms T217I.
Identifiers: ClinVar variation 1415244 (VCV001415244.6), dbSNP rs777062011, ClinGen allele CA2046035.
Genomic context (GRCh38, chr2:199,368,655, plus strand): 5'-GTCAGTTTACCTTTAATCTTCTTGTACTTTTTATACCATCTCCCAAACTCCTGGCACTTG[G>A]TTGCTGACACATTGGCATAATATGTGCTATTTACAATGGATGAAATCATACTCTGAAAAA-3'
Protein context (NP_001165980.1, residues 207-227): NSTYYANVSA[Thr217Ile]KCQEFGRWYK

ClinVar aggregate classification (germline): Uncertain significance (1 of 4 stars; one submission).

Conditions:
Chromosome 2q32-q33 deletion syndrome (GLASS). Also called: Glass syndrome; 2q33.1 deletion syndrome. Identifiers: Orphanet 251019, MedGen C2676739, MONDO:0012864, OMIM 612313.

Allele frequency attached by ClinVar (database versions not stated): gnomAD exomes below 0.00001; TOPMed below 0.00001; ExAC 0.00001; gnomAD 0.00001.
gnomAD v4.1: 2 of 1,611,010 alleles (0.00012%); highest among the groups gnomAD compares: African/African-American, 0.0013%; no homozygotes.

Submission:

Labcorp Genetics (formerly Invitae), Labcorp
Classification: Uncertain significance for Chromosome 2q32-q33 deletion syndrome. Last evaluated: 2024-08-06. Review status: criteria provided, single submitter. Criteria: Invitae Variant Classification Sherloc (09022015). Collection method: clinical testing. Allele origin: germline.
Comment: This sequence change replaces threonine, which is neutral and polar, with isoleucine, which is neutral and non-polar, at codon 217 of the SATB2 protein (p.Thr217Ile). This variant is present in population databases (rs777062011, gnomAD 0.007%). This variant has not been reported in the literature in individuals affected with SATB2-related conditions. ClinVar contains an entry for this variant (Variation ID: 1415244). Advanced modeling of protein sequence and biophysical properties (such as structural, functional, and spatial information, amino acid conservation, physicochemical variation, residue mobility, and thermodynamic stability) performed at Invitae indicates that this missense variant is not expected to disrupt SATB2 protein function with a negative predictive value of 80%. In summary, the available evidence is currently insufficient to determine the role of this variant in disease. Therefore, it has been classified as a Variant of Uncertain Significance.